The following is an entry in ClinVar:

ClinVar aggregate classification (germline): Uncertain significance (1 of 4 stars; one submission).

Conditions:
Hypertrophic cardiomyopathy. Also called: HYPERTROPHIC MYOCARDIOPATHY. Identifiers: Orphanet 217569, MedGen C0007194, MeSH D002312, MONDO:0005045, HP:0001639.

Allele frequency attached by ClinVar (database versions not stated): gnomAD 0.00001; TOPMed below 0.00001.
gnomAD v4.1: 1 of 1,613,926 alleles (0.000062%); highest among the groups gnomAD compares: African/African-American, 0.0013%; no homozygotes.

Submission:

Labcorp Genetics (formerly Invitae), Labcorp
Classification: Uncertain significance for Hypertrophic cardiomyopathy. Last evaluated: 2022-03-19. Review status: criteria provided, single submitter. Criteria: Invitae Variant Classification Sherloc (09022015). Collection method: clinical testing. Allele origin: germline.
Comment: In summary, the available evidence is currently insufficient to determine the role of this variant in disease. Therefore, it has been classified as a Variant of Uncertain Significance. This variant is found within a region of MYH7 between codons 181 and 937 that contains the majority of the myosin head domain. Missense variants in this region have been shown to be significantly overrepresented in individuals with hypertrophic cardiomyopathy (PMID: 27532257). Algorithms developed to predict the effect of sequence changes on RNA splicing suggest that this variant may create or strengthen a splice site. An algorithm developed specifically for the MYH7 gene suggests that this missense change is likely to be deleterious (PMID: 21310275). ClinVar contains an entry for this variant (Variation ID: 525004). This missense change has been observed in individual(s) with MYH7-related conditions (Invitae). This variant is not present in population databases (gnomAD no frequency). This sequence change replaces glycine, which is neutral and non-polar, with valine, which is neutral and non-polar, at codon 340 of the MYH7 protein (p.Gly340Val).

Literature cited by the submitters: PubMed 27532257; PubMed 21310275.

NM_000257.4(MYH7):c.1019G>T (p.Gly340Val)

Gene: MYH7 (myosin heavy chain 7; minus strand). Cytogenetic location: 14q11.2.
Variant type: single nucleotide variant.
Coding change: c.1019G>T on transcript NM_000257.4 (MANE Select); coding-DNA position 1019, G replaced by T.
Protein change: p.Gly340Val; replaces glycine 340 with valine.
Molecular consequence: missense variant.
Genome position (GRCh38, 1-based): chr14:23,429,894, C>A on the plus strand (G>T on the coding strand, the complement: MYH7 is on the minus strand). VCF-style: chr14-23429894-C-A. GRCh37 (hg19) VCF-style: chr14-23899103-C-A.
Other names: short protein forms G340V.
Identifiers: ClinVar variation 525004 (VCV000525004.8), dbSNP rs765585335, ClinGen allele CA389051535.